The following is an entry in ClinVar:

NM_133261.3(GIPC3):c.325G>A (p.Glu109Lys)

Gene: GIPC3 (GIPC PDZ domain containing family member 3; plus strand). Cytogenetic location: 19p13.3.
Variant type: single nucleotide variant.
Coding change: c.325G>A on transcript NM_133261.3 (MANE Select); coding-DNA position 325, G replaced by A.
Protein change: p.Glu109Lys; replaces glutamic acid 109 with lysine.
Molecular consequence: missense variant.
Genome position (GRCh38, 1-based): chr19:3,586,594, G>A. VCF-style: chr19-3586594-G-A. GRCh37 (hg19) VCF-style: chr19-3586592-G-A.
Other names: c.325G>A, p.Glu109Lys (NM_001411144.1); short protein forms E109K.
Identifiers: ClinVar variation 3371971 (VCV003371971.1).

ClinVar aggregate classification (germline): Uncertain significance (1 of 4 stars; one submission).

gnomAD v4.1: 5 of 1,613,482 alleles (0.00031%); highest among the groups gnomAD compares: African/African-American, 0.004%; no homozygotes.

Submission:

GeneDx
Classification: Uncertain significance. Last evaluated: 2024-04-04. Review status: criteria provided, single submitter. Criteria: GeneDx Variant Classification Process June 2021. Collection method: clinical testing. Allele origin: germline. Affected: yes.
Comment: In silico analysis indicates that this missense variant does not alter protein structure/function; Has not been previously published as pathogenic or benign to our knowledge